The following is an entry in ClinVar:

ClinVar aggregate classification (germline): Uncertain significance (1 of 4 stars; one submission).

Conditions:
Cardiovascular phenotype. Identifiers: MedGen CN230736.

Submission:

Ambry Genetics
Classification: Uncertain significance for Cardiovascular phenotype. Last evaluated: 2026-07-02. Review status: criteria provided, single submitter. Criteria: Ambry Variant Classification Scheme 2023. Collection method: clinical testing. Allele origin: germline.
Comment: The p.R2576S variant (also known as c.7726C>A), located in coding exon 26 of the APOB gene, results from a C to A substitution at nucleotide position 7726. The arginine at codon 2576 is replaced by serine, an amino acid with dissimilar properties. This amino acid position is conserved. In addition, this alteration is predicted to be tolerated by in silico analysis. Based on the available evidence, the clinical significance of this variant remains unclear.

NM_000384.3(APOB):c.7726C>A (p.Arg2576Ser)

Gene: APOB (apolipoprotein B; minus strand). Cytogenetic location: 2p24.1.
Variant type: single nucleotide variant.
Coding change: c.7726C>A on transcript NM_000384.3 (MANE Select); coding-DNA position 7726, C replaced by A.
Protein change: p.Arg2576Ser; replaces arginine 2576 with serine.
Molecular consequence: missense variant.
Genome position (GRCh38, 1-based): chr2:21,009,142, G>T on the plus strand (C>A on the coding strand, the complement: APOB is on the minus strand). VCF-style: chr2-21009142-G-T. GRCh37 (hg19) VCF-style: chr2-21232014-G-T.
Other names: short protein forms R2576S.
Identifiers: ClinVar variation 5027377 (VCV005027377.1).